The following is an entry in ClinVar:

ClinVar aggregate classification (germline): Likely benign. Review status: criteria provided, single submitter (1 of 4 stars). 2 submissions from 2 submitters: Likely benign (1). 1 of the submissions does not count toward it. Last evaluated 2022-04-12.

Conditions:
APOB-related disorder. Also called: APOB-related condition; APOB-related disorders.
Familial hypobetalipoproteinemia 1. Also called: APOB-Related Familial Hypobetalipoproteinemia; Hypobetalipoproteinemia, normotriglyceridemic; Acanthocytosis with hypobetalipoproteinemia. Identifiers: MedGen C4551990, MONDO:0014252, OMIM 615558.
Hypercholesterolemia, autosomal dominant, type B (FHCL2). Also called: Hyperlipoproteinemia Type IIb; Familial Hypercholesterolemia Type B; APOLIPOPROTEIN B-100, FAMILIAL DEFECTIVE; APOLIPOPROTEIN B-100, FAMILIAL LIGAND-DEFECTIVE; HYPERCHOLESTEROLEMIA, FAMILIAL, DUE TO LIGAND-DEFECTIVE APOLIPOPROTEIN B; APOB-Related Familial Hypercholesterolemia, Autosomal Dominant. Identifiers: MedGen C1704417, MONDO:0007751, OMIM 144010.

Submissions (2):

Labcorp Genetics (formerly Invitae), Labcorp
Classification: Likely benign for Familial hypobetalipoproteinemia 1; Hypercholesterolemia, autosomal dominant, type B. Last evaluated: 2022-04-12. Review status: criteria provided, single submitter. Criteria: Invitae Variant Classification Sherloc (09022015). Collection method: clinical testing. Allele origin: germline.

PreventionGenetics, part of Exact Sciences
Classification: Likely benign for APOB-related condition. Last evaluated: 2021-09-03. Review status: no assertion criteria provided. Collection method: clinical testing. Allele origin: germline. Not counted in ClinVar's aggregate classification.
Comment: This variant is classified as likely benign based on ACMG/AMP sequence variant interpretation guidelines (Richards et al. 2015 PMID: 25741868, with internal and published modifications).

NM_000384.3(APOB):c.693+7C>T

Gene: APOB (apolipoprotein B; minus strand). Cytogenetic location: 2p24.1.
Variant type: single nucleotide variant.
Coding change: c.693+7C>T on transcript NM_000384.3 (MANE Select); 7 bases into the intron after coding-DNA position 693, C replaced by T.
Molecular consequence: intron variant.
Genome position (GRCh38, 1-based): chr2:21,037,093, G>A on the plus strand (C>T on the coding strand, the complement: APOB is on the minus strand). VCF-style: chr2-21037093-G-A. GRCh37 (hg19) VCF-style: chr2-21259965-G-A.
Other names: c.693+7C>T (NM_000384.2).
Identifiers: ClinVar variation 2156138 (VCV002156138.6), dbSNP rs2465445441, ClinGen allele CA2580064974.
Genomic context (GRCh38, chr2:21,037,093, plus strand): 5'-AGTTCTGGAATTGTATTAATAAGAGGATGCTCCTTGCTGTGCACGACAGTGCTGACATGG[G>A]ACTTACCATGCCTTTGATGAGAGCAAGTGGGCTGATGCCTGTGCGGATGGGCTTGAAGCG-3'